The following is an entry in ClinVar:

NM_022168.4(IFIH1):c.1097T>C (p.Val366Ala)

Gene: IFIH1 (interferon induced with helicase C domain 1; minus strand). Cytogenetic location: 2q24.2.
Variant type: single nucleotide variant.
Coding change: c.1097T>C on transcript NM_022168.4 (MANE Select); coding-DNA position 1097, T replaced by C.
Protein change: p.Val366Ala; replaces valine 366 with alanine.
Molecular consequence: missense variant.
Genome position (GRCh38, 1-based): chr2:162,282,575, A>G on the plus strand (T>C on the coding strand, the complement: IFIH1 is on the minus strand). VCF-style: chr2-162282575-A-G. GRCh37 (hg19) VCF-style: chr2-163139085-A-G.
Other names: short protein forms V366A.
Identifiers: ClinVar variation 3774629 (VCV003774629.2).

ClinVar aggregate classification (germline): Uncertain significance. Review status: criteria provided, multiple submitters, no conflicts (2 of 4 stars). 2 submissions from 2 submitters: Uncertain significance (2). Last evaluated 2025-08-29.

Conditions:
Singleton-Merten syndrome 1 (SGMRT1). Also called: Widened medullary cavities of bone, aortic calcification, abnormal dentition, and muscular weakness; Syndrome of widened medullary cavities of the metacarpals and phalanges, aortic calcification and abnormal dentition. Identifiers: Orphanet 85191, MedGen C4225427, MONDO:0024535, OMIM 182250.
Aicardi-Goutieres syndrome 7 (AGS7). Identifiers: Orphanet 51, MedGen C3888244, MONDO:0014367, OMIM 615846.

gnomAD v4.1: 3 of 1,594,578 alleles (0.00019%); highest among the groups gnomAD compares: Non-Finnish European, 0.00026%; no homozygotes.

Submissions (2):

Labcorp Genetics (formerly Invitae), Labcorp
Classification: Uncertain significance for Aicardi-Goutieres syndrome 7; Singleton-Merten syndrome 1. Last evaluated: 2025-08-29. Review status: criteria provided, single submitter. Criteria: Invitae Variant Classification Sherloc (09022015). Collection method: clinical testing. Allele origin: germline.
Comment: This sequence change replaces valine, which is neutral and non-polar, with alanine, which is neutral and non-polar, at codon 366 of the IFIH1 protein (p.Val366Ala). This variant is not present in population databases (gnomAD no frequency). This variant has not been reported in the literature in individuals affected with IFIH1-related conditions. ClinVar contains an entry for this variant (Variation ID: 3774629). An algorithm developed to predict the effect of missense changes on protein structure and function (PolyPhen-2) suggests that this variant is likely to be disruptive. In summary, the available evidence is currently insufficient to determine the role of this variant in disease. Therefore, it has been classified as a Variant of Uncertain Significance.

GeneDx
Classification: Uncertain significance. Last evaluated: 2024-09-16. Review status: criteria provided, single submitter. Criteria: GeneDx Variant Classification Process June 2021. Collection method: clinical testing. Allele origin: germline. Affected: yes.
Comment: Not observed at significant frequency in large population cohorts (gnomAD); In silico analysis supports that this missense variant has a deleterious effect on protein structure/function; Has not been previously published as pathogenic or benign to our knowledge